The following is an entry in ClinVar:

ClinVar aggregate classification (germline): Pathogenic (1 of 4 stars; one submission).

Submission:

Quest Diagnostics Nichols Institute San Juan Capistrano
Classification: Pathogenic. Last evaluated: 2023-04-19. Review status: criteria provided, single submitter. Criteria: ACMG/ClinGen CNV Guidelines, 2019. Collection method: clinical testing. Allele origin: unknown.
Comment: This copy number loss involves multiple protein-coding genes, including STS (OMIM 300747). Haploinsufficiency of STS is associated with X-linked ichthyosis (XLI; OMIM 308100, Gubb 2020, Kent 2008, Myers 2020). There are no similar copy number losses of this region in the general populations of the Database of Genomic Variants. Thus, based on current medical literature and gene content, this copy number variant (CNV) is classified as pathogenic. References: Gubb et al., Hum Mol Genet. 2020 Oct 10;29(17):2872-2881. PMID: 32766777 Kent et al., J Med Genet. 2008 Aug;45(8):519-24. PMID: 18413370 Myers et al., Pediatr Neurol. 2020 Jul;108:113-116. PMID: 32299744

GRCh37/hg19 Xp22.31(chrX:6658871-8110243)x0

Genes: PNPLA4 (patatin like phospholipase domain containing 4; minus strand), PUDP (pseudouridine 5'-phosphatase; minus strand), STS (steroid sulfatase; plus strand), VCX (variable charge X-linked; plus strand). Cytogenetic location: Xp22.31.
Variant type: copy number loss.
Change: copy number 0 of chrX:6,658,871-8,110,243 (1.45 Mb, GRCh37 coordinates, 1-based), cytogenetic band Xp22.31.
Identifiers: ClinVar variation 2685221 (VCV002685221.1).